The following is an entry in ClinVar:

NM_012431.3(SEMA3E):c.2162A>G (p.Asn721Ser)

Gene: SEMA3E (semaphorin 3E; minus strand). Cytogenetic location: 7q21.11.
Variant type: single nucleotide variant.
Coding change: c.2162A>G on transcript NM_012431.3 (MANE Select); coding-DNA position 2162, A replaced by G.
Protein change: p.Asn721Ser; replaces asparagine 721 with serine.
Molecular consequence: missense variant.
Genome position (GRCh38, 1-based): chr7:83,367,752, T>C on the plus strand (A>G on the coding strand, the complement: SEMA3E is on the minus strand). VCF-style: chr7-83367752-T-C. GRCh37 (hg19) VCF-style: chr7-82997068-T-C.
Other names: c.1982A>G, p.Asn661Ser (NM_001178129.2); short protein forms N661S, N721S.
Identifiers: ClinVar variation 4982513 (VCV004982513.1).

ClinVar aggregate classification (germline): Uncertain significance (1 of 4 stars; one submission).

Conditions:
SEMA3E-related disorder. Also called: SEMA3E-related condition.

gnomAD v4.1: 1 of 1,614,098 alleles (0.000062%); no homozygotes.

Submission:

PreventionGenetics, part of Exact Sciences
Classification: Uncertain significance for SEMA3E-related condition. Last evaluated: 2025-03-23. Review status: criteria provided, single submitter. Criteria: ACMG Guidelines, 2015. Collection method: clinical testing. Allele origin: germline.
Comment: The SEMA3E c.2162A>G variant is predicted to result in the amino acid substitution p.Asn721Ser. To our knowledge, this variant has not been reported in the literature or in a large population database (gnomAD), indicating this variant is rare. At this time, the clinical significance of this variant is uncertain due to the absence of conclusive functional and genetic evidence.